The following is an entry in ClinVar:

ClinVar aggregate classification (germline): Uncertain significance (1 of 4 stars; one submission).

Conditions:
Desmin-related myofibrillar myopathy (MFM1). Also called: Myofibrillar myopathy 1; Desminopathy; MYOFIBRILLAR MYOPATHY WITH ARRHYTHMOGENIC RIGHT VENTRICULAR CARDIOMYOPATHY; DESMIN-RELATED MYOPATHY WITH ARRHYTHMOGENIC RIGHT VENTRICULAR CARDIOMYOPATHY; Desmin related myopathy (former name); Desmin storage myopathy (former name). Identifiers: Orphanet 363543, Orphanet 98909, MedGen C1832370, MONDO:0011076, OMIM 601419.

Submission:

Labcorp Genetics (formerly Invitae), Labcorp
Classification: Uncertain significance for Desmin-related myofibrillar myopathy. Last evaluated: 2025-04-14. Review status: criteria provided, single submitter. Criteria: Invitae Variant Classification Sherloc (09022015). Collection method: clinical testing. Allele origin: germline.
Comment: This sequence change replaces aspartic acid, which is acidic and polar, with histidine, which is basic and polar, at codon 302 of the DES protein (p.Asp302His). This variant is not present in population databases (gnomAD no frequency). This variant has not been reported in the literature in individuals affected with DES-related conditions. ClinVar contains an entry for this variant (Variation ID: 2107690). Invitae Evidence Modeling of protein sequence and biophysical properties (such as structural, functional, and spatial information, amino acid conservation, physicochemical variation, residue mobility, and thermodynamic stability) indicates that this missense variant is expected to disrupt DES protein function with a positive predictive value of 95%. In summary, the available evidence is currently insufficient to determine the role of this variant in disease. Therefore, it has been classified as a Variant of Uncertain Significance.

NM_001927.4(DES):c.904G>C (p.Asp302His)

Gene: DES (desmin; plus strand). Cytogenetic location: 2q35.
Variant type: single nucleotide variant.
Coding change: c.904G>C on transcript NM_001927.4 (MANE Select); coding-DNA position 904, G replaced by C.
Protein change: p.Asp302His; replaces aspartic acid 302 with histidine.
Molecular consequence: missense variant. On other transcripts: intron variant (1).
Genome position (GRCh38, 1-based): chr2:219,420,834, G>C. VCF-style: chr2-219420834-G-C. GRCh37 (hg19) VCF-style: chr2-220285556-G-C.
Other names: c.901G>C, p.Asp301His (NM_001382708.1); c.904G>C, p.Asp302His (NM_001382710.1, NM_001382711.1, NM_001382712.1); c.634G>C, p.Asp212His (NM_001382713.1); c.735+488G>C (NM_001382709.1); short protein forms D301H, D212H, D302H.
Identifiers: ClinVar variation 2107690 (VCV002107690.4), dbSNP rs753655637, ClinGen allele CA350692169.